The following is an entry in ClinVar:

ClinVar aggregate classification (germline): Uncertain significance. Review status: criteria provided, multiple submitters, no conflicts (2 of 4 stars). 2 submissions from 2 submitters: Uncertain significance (2). Last evaluated 2025-11-26.

Conditions:
Primary ciliary dyskinesia. Also called: Ciliary dyskinesia. Identifiers: Orphanet 244, MedGen C0008780, MONDO:0016575, HP:0012265.
Primary ciliary dyskinesia 28. Also called: CILIARY DYSKINESIA, PRIMARY, 28, WITH OR WITHOUT SITUS INVERSUS. Identifiers: Orphanet 244, MedGen C3809706, MONDO:0014216, OMIM 615505.

Allele frequency attached by ClinVar (database versions not stated): gnomAD exomes below 0.00001.

Submissions (2):

Ambry Genetics
Classification: Uncertain significance for Primary ciliary dyskinesia. Last evaluated: 2025-11-26. Review status: criteria provided, single submitter. Criteria: Ambry Variant Classification Scheme 2023. Collection method: clinical testing. Allele origin: germline.

Labcorp Genetics (formerly Invitae), Labcorp
Classification: Uncertain significance for Primary ciliary dyskinesia 28. Last evaluated: 2021-12-03. Review status: criteria provided, single submitter. Criteria: Invitae Variant Classification Sherloc (09022015). Collection method: clinical testing. Allele origin: germline.
Comment: This sequence change replaces leucine, which is neutral and non-polar, with phenylalanine, which is neutral and non-polar, at codon 853 of the SPAG1 protein (p.Leu853Phe). This variant is present in population databases (no rsID available, gnomAD no frequency). This variant has not been reported in the literature in individuals affected with SPAG1-related conditions. Algorithms developed to predict the effect of missense changes on protein structure and function (SIFT, PolyPhen-2, Align-GVGD) all suggest that this variant is likely to be tolerated. In summary, the available evidence is currently insufficient to determine the role of this variant in disease. Therefore, it has been classified as a Variant of Uncertain Significance.

NM_003114.5(SPAG1):c.2557C>T (p.Leu853Phe)

Gene: SPAG1 (sperm associated antigen 1; plus strand). Cytogenetic location: 8q22.2.
Variant type: single nucleotide variant.
Coding change: c.2557C>T on transcript NM_003114.5 (MANE Select); coding-DNA position 2557, C replaced by T.
Protein change: p.Leu853Phe; replaces leucine 853 with phenylalanine.
Molecular consequence: missense variant.
Genome position (GRCh38, 1-based): chr8:100,240,679, C>T. VCF-style: chr8-100240679-C-T. GRCh37 (hg19) VCF-style: chr8-101252907-C-T.
Other names: c.2557C>T (NM_172218.2); c.2557C>T, p.Leu853Phe (NM_001374321.1, NM_172218.3); short protein forms L853F.
Identifiers: ClinVar variation 1375412 (VCV001375412.3), dbSNP rs1563820362, ClinGen allele CA371818944.